The following is an entry in ClinVar:

ClinVar aggregate classification (germline): Uncertain significance (1 of 4 stars; one submission).

Submission:

Labcorp Genetics (formerly Invitae), Labcorp
Classification: Uncertain significance. Last evaluated: 2023-11-13. Review status: criteria provided, single submitter. Criteria: Invitae Variant Classification Sherloc (09022015). Collection method: clinical testing. Allele origin: germline.
Comment: This sequence change replaces aspartic acid, which is acidic and polar, with glutamic acid, which is acidic and polar, at codon 159 of the ABCA4 protein (p.Asp159Glu). This variant is not present in population databases (gnomAD no frequency). This variant has not been reported in the literature in individuals affected with ABCA4-related conditions. ClinVar contains an entry for this variant (Variation ID: 1366525). Algorithms developed to predict the effect of missense changes on protein structure and function output the following: SIFT: "Not Available"; PolyPhen-2: "Benign"; Align-GVGD: "Not Available". The glutamic acid amino acid residue is found in multiple mammalian species, which suggests that this missense change does not adversely affect protein function. In summary, the available evidence is currently insufficient to determine the role of this variant in disease. Therefore, it has been classified as a Variant of Uncertain Significance.

NM_000350.3(ABCA4):c.477T>G (p.Asp159Glu)

Gene: ABCA4 (ATP binding cassette subfamily A member 4; minus strand). Cytogenetic location: 1p22.1.
Variant type: single nucleotide variant.
Coding change: c.477T>G on transcript NM_000350.3 (MANE Select); coding-DNA position 477, T replaced by G.
Protein change: p.Asp159Glu; replaces aspartic acid 159 with glutamic acid.
Molecular consequence: missense variant.
Genome position (GRCh38, 1-based): chr1:94,103,108, A>C on the plus strand (T>G on the coding strand, the complement: ABCA4 is on the minus strand). VCF-style: chr1-94103108-A-C. GRCh37 (hg19) VCF-style: chr1-94568664-A-C.
Other names: c.477T>G, p.Asp159Glu (NM_001425324.1); short protein forms D159E.
Identifiers: ClinVar variation 1366525 (VCV001366525.8), dbSNP rs767738064, ClinGen allele CA341291208.